The following is an entry in ClinVar:

NC_000006.11:g.(?_65523261)_(65532725_?)del

Gene: EYS (eyes shut homolog; minus strand). Cytogenetic location: 6q12.
Variant type: Deletion.
Identifiers: ClinVar variation 1455346 (VCV001455346.6).

ClinVar aggregate classification (germline): Pathogenic (1 of 4 stars; one submission).

Submission:

Labcorp Genetics (formerly Invitae), Labcorp
Classification: Pathogenic. Last evaluated: 2020-12-06. Review status: criteria provided, single submitter. Criteria: Invitae Variant Classification Sherloc (09022015). Collection method: clinical testing. Allele origin: germline.
Comment: For these reasons, this variant has been classified as Pathogenic. This variant has not been reported in the literature in individuals with EYS-related conditions. This variant is a gross deletion of the genomic region encompassing exon(s) 20-22 of the EYS gene. This deletion is out-of-frame, and is expected to create a premature translational stop signal and result in an absent or disrupted protein product. Loss-of-function variants in EYS are known to be pathogenic (PMID: 18836446, 20333770).

Literature cited by the submitters: PubMed 18836446; PubMed 20333770.